The following is an entry in ClinVar:

ClinVar aggregate classification (germline): Uncertain significance (1 of 4 stars; one submission).

Conditions:
Generalized epilepsy-paroxysmal dyskinesia syndrome (PNKD3). Also called: Generalized epilepsy and paroxysmal dyskinesia; Paroxysmal nonkinesigenic dyskinesia, 3, with or without generalized epilepsy. Identifiers: Orphanet 79137, MedGen C5574945, MONDO:0012276, OMIM 609446.

Submission:

Labcorp Genetics (formerly Invitae), Labcorp
Classification: Uncertain significance for Generalized epilepsy-paroxysmal dyskinesia syndrome. Last evaluated: 2025-08-31. Review status: criteria provided, single submitter. Criteria: Invitae Variant Classification Sherloc (09022015). Collection method: clinical testing. Allele origin: germline.
Comment: This sequence change replaces serine, which is neutral and polar, with proline, which is neutral and non-polar, at codon 93 of the KCNMA1 protein (p.Ser93Pro). This variant is not present in population databases (gnomAD no frequency). This variant has not been reported in the literature in individuals affected with KCNMA1-related conditions. An algorithm developed to predict the effect of missense changes on protein structure and function outputs the following: PolyPhen-2: "Probably Damaging". The proline amino acid residue is found in multiple mammalian species, which suggests that this missense change does not adversely affect protein function. In summary, the available evidence is currently insufficient to determine the role of this variant in disease. Therefore, it has been classified as a Variant of Uncertain Significance.

NM_001161352.2(KCNMA1):c.277T>C (p.Ser93Pro)

Gene: KCNMA1 (potassium calcium-activated channel subfamily M alpha 1; minus strand). Cytogenetic location: 10q22.3.
Variant type: single nucleotide variant.
Coding change: c.277T>C on transcript NM_001161352.2 (MANE Select); coding-DNA position 277, T replaced by C.
Protein change: p.Ser93Pro; replaces serine 93 with proline.
Molecular consequence: missense variant.
Genome position (GRCh38, 1-based): chr10:77,637,366, A>G on the plus strand (T>C on the coding strand, the complement: KCNMA1 is on the minus strand). VCF-style: chr10-77637366-A-G. GRCh37 (hg19) VCF-style: chr10-79397124-A-G.
Other names: c.277T>C, p.Ser93Pro (NM_001014797.3, NM_001161353.2, NM_001271518.2 and 15 more transcripts); short protein forms S93P.
Identifiers: ClinVar variation 4726377 (VCV004726377.1).